The following is an entry in ClinVar:

ClinVar aggregate classification (germline): Uncertain significance. Review status: criteria provided, multiple submitters, no conflicts (2 of 4 stars). 2 submissions from 2 submitters: Uncertain significance (2). Last evaluated 2022-07-23.

Conditions:
Osteogenesis imperfecta type I (OI1). Also called: Lobstein's Disease; Lobstein disease; Osteogenesis imperfecta type 1; Classic Non-deforming Osteogenesis Imperfecta with Blue Sclerae; OI, TYPE I; OSTEOGENESIS IMPERFECTA TARDA. Identifiers: Orphanet 216796, Orphanet 666, MedGen C0023931, MONDO:0008146, OMIM 166200. Disease mechanism: loss of function.

Submissions (2):

Labcorp Genetics (formerly Invitae), Labcorp
Classification: Uncertain significance for Osteogenesis imperfecta type I. Last evaluated: 2022-07-23. Review status: criteria provided, single submitter. Criteria: Invitae Variant Classification Sherloc (09022015). Collection method: clinical testing. Allele origin: germline.
Comment: This sequence change falls in intron 25 of the COL1A1 gene. It does not directly change the encoded amino acid sequence of the COL1A1 protein. It affects a nucleotide within the consensus splice site. This variant is not present in population databases (gnomAD no frequency). This variant has not been reported in the literature in individuals affected with COL1A1-related conditions. ClinVar contains an entry for this variant (Variation ID: 282060). Variants that disrupt the consensus splice site are a relatively common cause of aberrant splicing (PMID: 17576681, 9536098). Algorithms developed to predict the effect of sequence changes on RNA splicing suggest that this variant may disrupt the consensus splice site. In summary, the available evidence is currently insufficient to determine the role of this variant in disease. Therefore, it has been classified as a Variant of Uncertain Significance.

Eurofins Ntd Llc (ga)
Classification: Uncertain significance. Last evaluated: 2015-08-05. Review status: criteria provided, single submitter. Criteria: EGL Classification Definitions 2015. Collection method: clinical testing. Allele origin: germline. Observed: 1 variant allele, 1 heterozygote.

Literature cited by the submitters: PubMed 17576681 (cited by Labcorp Genetics (formerly Invitae), Labcorp); PubMed 9536098 (cited by Labcorp Genetics (formerly Invitae), Labcorp).

NM_000088.4(COL1A1):c.1767+3_1767+6del

Gene: COL1A1 (collagen type I alpha 1 chain; minus strand). Cytogenetic location: 17q21.33.
Variant type: Deletion.
Coding change: c.1767+3_1767+6del on transcript NM_000088.4 (MANE Select); bases 3 to 6 of the intron after coding-DNA position 1767, 4 bases deleted (GAGT; older notation c.1767+3_1767+6delGAGT).
Molecular consequence: splice donor variant.
Genome position (GRCh38, 1-based): chr17:50,193,937-50,193,940, ACTC deleted on the plus strand (GAGT on the coding strand, the reverse complement: COL1A1 is on the minus strand); deleting any 4 consecutive bases within chr17:50,193,937-50,193,942 gives the same sequence; the c. name uses the placement nearest the transcript's 3' end. VCF-style (leftmost placement, unchanged base first): chr17-50193936-TACTC-T. GRCh37 (hg19) VCF-style: chr17-48271297-TACTC-T.
Identifiers: ClinVar variation 282060 (VCV000282060.10), dbSNP rs886042301, ClinGen allele CA10604057.